The following is an entry in ClinVar:

NM_001150.3(ANPEP):c.1858G>C (p.Val620Leu)

Gene: ANPEP (alanyl aminopeptidase, membrane; minus strand). Cytogenetic location: 15q26.1.
Variant type: single nucleotide variant.
Coding change: c.1858G>C on transcript NM_001150.3 (MANE Select); coding-DNA position 1858, G replaced by C.
Protein change: p.Val620Leu; replaces valine 620 with leucine.
Molecular consequence: missense variant.
Genome position (GRCh38, 1-based): chr15:89,799,521, C>G on the plus strand (G>C on the coding strand, the complement: ANPEP is on the minus strand). VCF-style: chr15-89799521-C-G. GRCh37 (hg19) VCF-style: chr15-90342752-C-G.
Other names: c.1858G>C, p.Val620Leu (NM_001381923.1, NM_001381924.1); short protein forms V620L.
Identifiers: ClinVar variation 3037975 (VCV003037975.2), dbSNP rs143245843, ClinGen allele CA7731030.

ClinVar aggregate classification (germline): Likely benign (0 of 4 stars; one submission).

Conditions:
ANPEP-related disorder. Also called: ANPEP-related condition.

Allele frequency attached by ClinVar (database versions not stated): 1000 Genomes Project 30x 0.00078; 1000 Genomes Project 0.00080; ExAC 0.00180; gnomAD 0.00192; ESP Exome Variant Server 0.00231; gnomAD exomes 0.00276.
gnomAD v4.1: 4,285 of 1,614,212 alleles (0.27%); highest among the groups gnomAD compares: Non-Finnish European, 0.34%; 6 homozygotes.

Submission:

PreventionGenetics, part of Exact Sciences
Classification: Likely benign for ANPEP-related condition. Last evaluated: 2022-12-02. Review status: no assertion criteria provided. Collection method: clinical testing. Allele origin: germline.
Comment: This variant is classified as likely benign based on ACMG/AMP sequence variant interpretation guidelines (Richards et al. 2015 PMID: 25741868, with internal and published modifications).